The following is an entry in ClinVar:

ClinVar aggregate classification (germline): Uncertain significance (1 of 4 stars; one submission).

Conditions:
Autosomal recessive severe congenital neutropenia due to CSF3R deficiency. Also called: Neutropenia, severe congenital, 7, autosomal recessive. Identifiers: Orphanet 420702, MedGen C4310764, MONDO:0014865, OMIM 617014.

gnomAD v4.1: 4 of 1,609,606 alleles (0.00025%); highest among the groups gnomAD compares: Admixed American, 0.0017%; no homozygotes.

Submission:

Labcorp Genetics (formerly Invitae), Labcorp
Classification: Uncertain significance for Autosomal recessive severe congenital neutropenia due to CSF3R deficiency. Last evaluated: 2024-11-19. Review status: criteria provided, single submitter. Criteria: Invitae Variant Classification Sherloc (09022015). Collection method: clinical testing. Allele origin: germline.
Comment: This sequence change replaces proline, which is neutral and non-polar, with leucine, which is neutral and non-polar, at codon 775 of the CSF3R protein (p.Pro775Leu). This variant is not present in population databases (gnomAD no frequency). This variant has not been reported in the literature in individuals affected with CSF3R-related conditions. An algorithm developed to predict the effect of missense changes on protein structure and function (PolyPhen-2) suggests that this variant is likely to be disruptive. In summary, the available evidence is currently insufficient to determine the role of this variant in disease. Therefore, it has been classified as a Variant of Uncertain Significance.

NM_000760.4(CSF3R):c.2324C>T (p.Pro775Leu)

Gene: CSF3R (colony stimulating factor 3 receptor; minus strand). Cytogenetic location: 1p34.3.
Variant type: single nucleotide variant.
Coding change: c.2324C>T on transcript NM_000760.4 (MANE Select); coding-DNA position 2324, C replaced by T.
Protein change: p.Pro775Leu; replaces proline 775 with leucine.
Molecular consequence: missense variant. On other transcripts: intron variant (1).
Genome position (GRCh38, 1-based): chr1:36,466,544, G>A on the plus strand (C>T on the coding strand, the complement: CSF3R is on the minus strand). VCF-style: chr1-36466544-G-A. GRCh37 (hg19) VCF-style: chr1-36932145-G-A.
Other names: c.2405C>T, p.Pro802Leu (NM_156039.3); c.2247+77C>T (NM_172313.3); short protein forms P775L, P802L.
Identifiers: ClinVar variation 3608860 (VCV003608860.2).